The following is an entry in ClinVar:

ClinVar aggregate classification (germline): Benign. Review status: criteria provided, multiple submitters, no conflicts (2 of 4 stars). 7 submissions from 7 submitters: Benign (5). 2 of the submissions do not count toward it. Last evaluated 2026-02-02.

Conditions:
Geroderma osteodysplastica (GO). Also called: WALT DISNEY DWARFISM; Geroderma osteodysplasticum. Identifiers: Orphanet 2078, MedGen C0432255, MONDO:0009271, OMIM 231070.

Allele frequency attached by ClinVar (database versions not stated): gnomAD exomes 0.00455; ExAC 0.00542; gnomAD 0.01759 and 0.01889; 1000 Genomes Project 0.01877; TOPMed 0.02014; ESP Exome Variant Server 0.02061; 1000 Genomes Project 30x 0.02139.
gnomAD v4.1: 5,156 of 1,614,078 alleles (0.32%); highest among the groups gnomAD compares: African/African-American, 5.9%; 164 homozygotes.

Submissions (7):

Labcorp Genetics (formerly Invitae), Labcorp
Classification: Benign. Last evaluated: 2026-02-02. Review status: criteria provided, single submitter. Criteria: Invitae Variant Classification Sherloc (09022015). Collection method: clinical testing. Allele origin: germline.

ARUP Laboratories, Molecular Genetics and Genomics, ARUP Laboratories
Classification: Benign for Geroderma osteodysplastica. Last evaluated: 2023-11-06. Review status: criteria provided, single submitter. Criteria: ARUP Molecular Germline Variant Investigation Process 2024. Collection method: clinical testing. Allele origin: germline.

Genome-Nilou Lab
Classification: Benign for Geroderma osteodysplastica. Last evaluated: 2023-04-11. Review status: criteria provided, single submitter. Criteria: ACMG Guidelines, 2015. Collection method: clinical testing. Allele origin: germline. Affected: no.

Illumina Laboratory Services, Illumina
Classification: Benign for Geroderma osteodysplastica. Last evaluated: 2018-01-12. Review status: criteria provided, single submitter. Criteria: ICSL Variant Classification Criteria 13 December 2019. Collection method: clinical testing. Allele origin: germline.
Comment: This variant was observed in the ICSL laboratory as part of a predisposition screen in an ostensibly healthy population. It had not been previously curated by ICSL or reported in the Human Gene Mutation Database (HGMD: prior to June 1st, 2018), and was therefore a candidate for classification through an automated scoring system. Utilizing variant allele frequency, disease prevalence and penetrance estimates, and inheritance mode, an automated score was calculated to assess if this variant is too frequent to cause the disease. Based on the score and internal cut-off values, a variant classified as benign is not then subjected to further curation. The score for this variant resulted in a classification of benign for this disease.

Breakthrough Genomics
Classification: Benign. Review status: criteria provided, single submitter. Criteria: ACMG Guidelines, 2015. Collection method: not provided. Allele origin: germline. Inheritance: Autosomal recessive inheritance. Affected: yes.

Genome Diagnostics Laboratory, Amsterdam University Medical Center
Classification: Benign. Review status: no assertion criteria provided. Collection method: clinical testing. Allele origin: germline. Affected: yes. Study: VKGL Data-share Consensus. Not counted in ClinVar's aggregate classification.

Laboratory of Diagnostic Genome Analysis, Leiden University Medical Center (LUMC)
Classification: Likely benign. Review status: no assertion criteria provided. Collection method: clinical testing. Allele origin: germline. Affected: yes. Study: VKGL Data-share Consensus. Not counted in ClinVar's aggregate classification.

NM_152281.3(GORAB):c.62-3T>C

Gene: GORAB (golgin, RAB6 interacting; plus strand). Cytogenetic location: 1q24.2.
Variant type: single nucleotide variant.
Coding change: c.62-3T>C on transcript NM_152281.3 (MANE Select); 3 bases into the intron before coding-DNA position 62, T replaced by C.
Molecular consequence: intron variant.
Genome position (GRCh38, 1-based): chr1:170,539,207, T>C. VCF-style: chr1-170539207-T-C. GRCh37 (hg19) VCF-style: chr1-170508348-T-C.
Other names: c.-404-3T>C (NM_001320252.2); c.62-3T>C (NM_001146039.2).
Identifiers: ClinVar variation 293649 (VCV000293649.18), dbSNP rs73029138, ClinGen allele CA1239030.